The following is an entry in ClinVar:

NM_001079843.3(CASZ1):c.1500G>A (p.Gln500=)

Gene: CASZ1 (castor zinc finger 1; minus strand). Cytogenetic location: 1p36.22.
Variant type: single nucleotide variant.
Coding change: c.1500G>A on transcript NM_001079843.3 (MANE Select); coding-DNA position 1500, G replaced by A.
Protein change: p.Gln500=; no amino-acid change (glutamine 500 retained).
Molecular consequence: synonymous variant.
Genome position (GRCh38, 1-based): chr1:10,656,646, C>T on the plus strand (G>A on the coding strand, the complement: CASZ1 is on the minus strand). VCF-style: chr1-10656646-C-T. GRCh37 (hg19) VCF-style: chr1-10716703-C-T.
Other names: c.1500G>A, p.Gln500= (NM_017766.5).
Identifiers: ClinVar variation 4721824 (VCV004721824.1).

ClinVar aggregate classification (germline): Uncertain significance (1 of 4 stars; one submission).

Submission:

Labcorp Genetics (formerly Invitae), Labcorp
Classification: Uncertain significance. Last evaluated: 2025-06-23. Review status: criteria provided, single submitter. Criteria: Invitae Variant Classification Sherloc (09022015). Collection method: clinical testing. Allele origin: germline.
Comment: This sequence change affects codon 500 of the CASZ1 mRNA. It is a 'silent' change, meaning that it does not change the encoded amino acid sequence of the CASZ1 protein. This variant also falls at the last nucleotide of exon 8, which is part of the consensus splice site for this exon. This variant is not present in population databases (gnomAD no frequency). This variant has not been reported in the literature in individuals affected with CASZ1-related conditions. Variants that disrupt the consensus splice site are a relatively common cause of aberrant splicing (PMID: 17576681, 9536098). Algorithms developed to predict the effect of sequence changes on RNA splicing suggest that this variant may disrupt the consensus splice site. In summary, the available evidence is currently insufficient to determine the role of this variant in disease. Therefore, it has been classified as a Variant of Uncertain Significance.

Literature cited by the submitters: PubMed 17576681; PubMed 9536098.